The following is an entry in ClinVar:

ClinVar aggregate classification (germline): Likely benign. Review status: criteria provided, multiple submitters, no conflicts (2 of 4 stars). 3 submissions from 3 submitters: Likely benign (3). Last evaluated 2025-12-03.

Conditions:
Bethlem myopathy 1A. Also called: MYOPATHY, BENIGN CONGENITAL, WITH CONTRACTURES; Bethlem Muscular Dystrophy; Bethlem myopathy 1. Identifiers: Orphanet 610, MedGen CN029274, MONDO:0024530, OMIM 158810.

Allele frequency attached by ClinVar (database versions not stated): gnomAD 0.00001; TOPMed 0.00001; ExAC 0.00002; gnomAD exomes 0.00002; ESP Exome Variant Server 0.00015.
gnomAD v4.1: 36 of 1,614,094 alleles (0.0022%); highest among the groups gnomAD compares: Non-Finnish European, 0.0024%; no homozygotes.

Submissions (3):

Labcorp Genetics (formerly Invitae), Labcorp
Classification: Likely benign for Bethlem myopathy 1A. Last evaluated: 2025-12-03. Review status: criteria provided, single submitter. Criteria: Invitae Variant Classification Sherloc (09022015). Collection method: clinical testing. Allele origin: germline.

GeneDx
Classification: Likely benign. Last evaluated: 2016-06-16. Review status: criteria provided, single submitter. Criteria: GeneDx Variant Classification (06012015). Collection method: clinical testing. Allele origin: germline. Affected: yes.
Comment: This variant is considered likely benign or benign based on one or more of the following criteria: it is a conservative change, it occurs at a poorly conserved position in the protein, it is predicted to be benign by multiple in silico algorithms, and/or has population frequency not consistent with disease.

Breakthrough Genomics
Classification: Likely benign. Review status: criteria provided, single submitter. Criteria: ACMG Guidelines, 2015. Collection method: not provided. Allele origin: germline. Inheritance: Autosomal recessive inheritance. Affected: yes.

NM_004369.4(COL6A3):c.7878C>T (p.Ser2626=)

Gene: COL6A3 (collagen type VI alpha 3 chain; minus strand). Cytogenetic location: 2q37.3.
Variant type: single nucleotide variant.
Coding change: c.7878C>T on transcript NM_004369.4 (MANE Select); coding-DNA position 7878, C replaced by T.
Protein change: p.Ser2626=; no amino-acid change (serine 2626 retained).
Molecular consequence: synonymous variant.
Genome position (GRCh38, 1-based): chr2:237,341,038, G>A on the plus strand (C>T on the coding strand, the complement: COL6A3 is on the minus strand). VCF-style: chr2-237341038-G-A. GRCh37 (hg19) VCF-style: chr2-238249681-G-A.
Other names: c.6057C>T, p.Ser2019= (NM_057166.5); c.7260C>T, p.Ser2420= (NM_057167.4).
Identifiers: ClinVar variation 386471 (VCV000386471.13), dbSNP rs145136426, ClinGen allele CA2187670.